The following is an entry in ClinVar:

ClinVar aggregate classification (germline): Uncertain significance (1 of 4 stars; one submission).

Conditions:
Arrhythmogenic right ventricular dysplasia 11. Also called: Arrhythmogenic right ventricular dysplasia 11 with mild palmoplantar keratoderma and woolly hair; Arrhythmogenic Right Ventricular Dysplasia/Cardiomyopathy11; ARRHYTHMOGENIC RIGHT VENTRICULAR DYSPLASIA, FAMILIAL, 11. Identifiers: MedGen C1864850, MONDO:0012506, OMIM 610476.

Allele frequency attached by ClinVar (database versions not stated): gnomAD exomes below 0.00001.
gnomAD v4.1: 1 of 1,613,918 alleles (0.000062%); highest among the groups gnomAD compares: Non-Finnish European, 0.000085%; no homozygotes.

Submission:

Labcorp Genetics (formerly Invitae), Labcorp
Classification: Uncertain significance for Arrhythmogenic right ventricular dysplasia 11. Last evaluated: 2025-09-19. Review status: criteria provided, single submitter. Criteria: Invitae Variant Classification Sherloc (09022015). Collection method: clinical testing. Allele origin: germline.
Comment: This sequence change replaces proline, which is neutral and non-polar, with leucine, which is neutral and non-polar, at codon 182 of the DSC2 protein (p.Pro182Leu). This variant is not present in population databases (gnomAD no frequency). This variant has not been reported in the literature in individuals affected with DSC2-related conditions. ClinVar contains an entry for this variant (Variation ID: 2125337). Invitae Evidence Modeling of protein sequence and biophysical properties (such as structural, functional, and spatial information, amino acid conservation, physicochemical variation, residue mobility, and thermodynamic stability) indicates that this missense variant is expected to disrupt DSC2 protein function with a positive predictive value of 80%. In summary, the available evidence is currently insufficient to determine the role of this variant in disease. Therefore, it has been classified as a Variant of Uncertain Significance.

NM_024422.6(DSC2):c.545C>T (p.Pro182Leu)

Gene: DSC2 (desmocollin 2; minus strand). Cytogenetic location: 18q12.1.
Variant type: single nucleotide variant.
Coding change: c.545C>T on transcript NM_024422.6 (MANE Select); coding-DNA position 545, C replaced by T.
Protein change: p.Pro182Leu; replaces proline 182 with leucine.
Molecular consequence: missense variant.
Genome position (GRCh38, 1-based): chr18:31,089,524, G>A on the plus strand (C>T on the coding strand, the complement: DSC2 is on the minus strand). VCF-style: chr18-31089524-G-A. GRCh37 (hg19) VCF-style: chr18-28669487-G-A.
Other names: c.116C>T, p.Pro39Leu (NM_001406506.1, NM_001406507.1); c.545C>T, p.Pro182Leu (NM_004949.5); short protein forms P39L, P182L.
Identifiers: ClinVar variation 2125337 (VCV002125337.4), dbSNP rs2510953822, ClinGen allele CA402113617.
Genomic context (GRCh38, chr18:31,089,524, plus strand): 5'-TCTACAGGACGAGTACAATACAAGTTTCCAGTGTCTCTCTCCACATAAAATAAATTCCGA[G>A]GTTCTTGGTCAACTCCAGGACCTCTTATGGAATAGTATATGGTATAGTTTTGGGCCGTGT-3'
Protein context (NP_077740.1, residues 172-192): SIRGPGVDQE[Pro182Leu]RNLFYVERDT